The following is an entry in ClinVar:

NM_014363.6(SACS):c.7928_7937del (p.Asp2643fs)

Gene: SACS (sacsin molecular chaperone; minus strand). Cytogenetic location: 13q12.12.
Variant type: Deletion.
Coding change: c.7928_7937del on transcript NM_014363.6 (MANE Select); coding-DNA positions 7928 to 7937, 10 bases deleted (ACATCCTGTG; older notation c.7928_7937delACATCCTGTG).
Protein change: p.Asp2643fs; shifts the reading frame from aspartic acid 2643.
Molecular consequence: frameshift variant.
Genome position (GRCh38, 1-based): chr13:23,335,939-23,335,948, CACAGGATGT deleted on the plus strand (ACATCCTGTG on the coding strand, the reverse complement: SACS is on the minus strand); deleting any 10 consecutive bases within chr13:23,335,939-23,335,950 gives the same sequence; the c. name uses the placement nearest the transcript's 3' end. VCF-style (leftmost placement, unchanged base first): chr13-23335938-ACACAGGATGT-A. GRCh37 (hg19) VCF-style: chr13-23910077-ACACAGGATGT-A.
Other names: c.7487_7496del, p.Asp2496fs (NM_001278055.2); short protein forms D2643fs, D2496fs.
Identifiers: ClinVar variation 2121812 (VCV002121812.4), dbSNP rs2542226453, ClinGen allele CA2580086905.

ClinVar aggregate classification (germline): Pathogenic (1 of 4 stars; one submission).

Conditions:
Spastic paraplegia. Identifiers: MedGen C0037772, HP:0001258.

Submission:

Labcorp Genetics (formerly Invitae), Labcorp
Classification: Pathogenic for Spastic paraplegia. Last evaluated: 2022-04-13. Review status: criteria provided, single submitter. Criteria: Invitae Variant Classification Sherloc (09022015). Collection method: clinical testing. Allele origin: germline.
Comment: This variant is not present in population databases (gnomAD no frequency). For these reasons, this variant has been classified as Pathogenic. This variant disrupts a region of the SACS protein in which other variant(s) (p.Tyr4538*) have been determined to be pathogenic (Invitae). This suggests that this is a clinically significant region of the protein, and that variants that disrupt it are likely to be disease-causing. This variant has not been reported in the literature in individuals affected with SACS-related conditions. This sequence change creates a premature translational stop signal (p.Asp2643Valfs*93) in the SACS gene. While this is not anticipated to result in nonsense mediated decay, it is expected to disrupt the last 1937 amino acid(s) of the SACS protein.